The following is an entry in ClinVar:

ClinVar aggregate classification (germline): Uncertain significance (1 of 4 stars; one submission).

Conditions:
Nephronophthisis. Also called: Juvenile Nephronophthisis. Identifiers: Orphanet 655, MedGen C0687120, MONDO:0019005, HP:0000090.

Submission:

Labcorp Genetics (formerly Invitae), Labcorp
Classification: Uncertain significance for Nephronophthisis. Last evaluated: 2022-08-22. Review status: criteria provided, single submitter. Criteria: Invitae Variant Classification Sherloc (09022015). Collection method: clinical testing. Allele origin: germline.
Comment: In summary, the available evidence is currently insufficient to determine the role of this variant in disease. Therefore, it has been classified as a Variant of Uncertain Significance. Algorithms developed to predict the effect of sequence changes on RNA splicing suggest that this variant may create or strengthen a splice site. This variant has not been reported in the literature in individuals affected with IQCB1-related conditions. This variant is not present in population databases (gnomAD no frequency). This sequence change falls in intron 13 of the IQCB1 gene. It does not directly change the encoded amino acid sequence of the IQCB1 protein.

NM_001023570.4(IQCB1):c.1411-6T>A

Gene: IQCB1 (IQ motif containing B1; minus strand). Cytogenetic location: 3q13.33.
Variant type: single nucleotide variant.
Coding change: c.1411-6T>A on transcript NM_001023570.4 (MANE Select); 6 bases into the intron before coding-DNA position 1411, T replaced by A.
Molecular consequence: intron variant.
Genome position (GRCh38, 1-based): chr3:121,772,719, A>T on the plus strand (T>A on the coding strand, the complement: IQCB1 is on the minus strand). VCF-style: chr3-121772719-A-T. GRCh37 (hg19) VCF-style: chr3-121491566-A-T.
Other names: c.1411-6T>A (NM_001319107.2); c.1012-6T>A (NM_001023571.4).
Identifiers: ClinVar variation 1952077 (VCV001952077.5), dbSNP rs2547582461, ClinGen allele CA2580068616.